The following is an entry in ClinVar:

ClinVar aggregate classification (germline): Pathogenic/Likely pathogenic. Review status: criteria provided, multiple submitters, no conflicts (2 of 4 stars). 2 submissions from 2 submitters: Pathogenic (1); Likely pathogenic (1). Last evaluated 2023-06-17.

Conditions:
Granulomatous disease, chronic, autosomal recessive, cytochrome b-positive, type 2. Also called: GRANULOMATOUS DISEASE, CHRONIC, AUTOSOMAL RECESSIVE, 2; Chronic granulomatous disease due to deficiency of NCF-2; Chronic Granulomatous Disease, Autosomal Recessive, Cytochrome b-Positive, Type II; CGD, AUTOSOMAL RECESSIVE CYTOCHROME b-POSITIVE, TYPE II; GRANULOMATOUS DISEASE, CHRONIC, DUE TO NCF2 DEFICIENCY. Identifiers: Orphanet 379, MedGen C1856245, MONDO:0009310, OMIM 233710.

Allele frequency attached by ClinVar (database versions not stated): gnomAD exomes below 0.00001; TOPMed 0.00001.
gnomAD v4.1: 5 of 1,613,602 alleles (0.00031%); highest among the groups gnomAD compares: Non-Finnish European, 0.00042%; no homozygotes.

Submissions (2):

Labcorp Genetics (formerly Invitae), Labcorp
Classification: Likely pathogenic for Granulomatous disease, chronic, autosomal recessive, cytochrome b-positive, type 2. Last evaluated: 2023-06-17. Review status: criteria provided, single submitter. Criteria: Invitae Variant Classification Sherloc (09022015). Collection method: clinical testing. Allele origin: germline.
Comment: In summary, the currently available evidence indicates that the variant is pathogenic, but additional data are needed to prove that conclusively. Therefore, this variant has been classified as Likely Pathogenic. This sequence change affects a donor splice site in intron 2 of the NCF2 gene. It is expected to disrupt RNA splicing. Variants that disrupt the donor or acceptor splice site typically lead to a loss of protein function (PMID: 16199547), and loss-of-function variants in NCF2 are known to be pathogenic (PMID: 10498624, 20167518). This variant is present in population databases (no rsID available, gnomAD 0.0009%). This variant has not been reported in the literature in individuals affected with NCF2-related conditions. ClinVar contains an entry for this variant (Variation ID: 372431). Algorithms developed to predict the effect of sequence changes on RNA splicing suggest that this variant may disrupt the consensus splice site.

GeneDx
Classification: Pathogenic. Last evaluated: 2015-06-29. Review status: criteria provided, single submitter. Criteria: GeneDx Variant Classification (06012015). Collection method: clinical testing. Allele origin: germline. Affected: yes.
Comment: The c.257+1 G>A splice site variant in the NCF2 gene destroys the canonical splice donor site in intron 2. It is predicted to cause abnormal gene splicing, either leading to an abnormal message that is subject to nonsense-mediated mRNA decay, or to an abnormal protein product if the message is used for protein translation. The c.257+1 G>A variant was not observed in approximately 6,500 individuals of European and African American ancestry in the NHLBI Exome Sequencing Project, indicating it is not a common benign variant in these populations. Therefore, we interpret c.257+1 G>A as a pathogenic variant.

Literature cited by the submitters: PubMed 16199547 (cited by Labcorp Genetics (formerly Invitae), Labcorp); PubMed 10498624 (cited by Labcorp Genetics (formerly Invitae), Labcorp); PubMed 20167518 (cited by Labcorp Genetics (formerly Invitae), Labcorp).

NM_000433.4(NCF2):c.257+1G>A

Gene: NCF2 (neutrophil cytosolic factor 2; minus strand). Cytogenetic location: 1q25.3.
Variant type: single nucleotide variant.
Coding change: c.257+1G>A on transcript NM_000433.4 (MANE Select); the canonical splice donor site of the intron after coding-DNA position 257, G replaced by A.
Molecular consequence: splice donor variant.
Genome position (GRCh38, 1-based): chr1:183,586,894, C>T on the plus strand (G>A on the coding strand, the complement: NCF2 is on the minus strand). VCF-style: chr1-183586894-C-T. GRCh37 (hg19) VCF-style: chr1-183556029-C-T.
Other names: c.257+1G>A (NM_001410895.1, NM_001127651.3, NM_001190789.2 and 1 more transcripts).
Identifiers: ClinVar variation 372431 (VCV000372431.10), dbSNP rs990043411, ClinGen allele CA16042303.